The following is an entry in ClinVar:

NM_033409.4(SLC52A3):c.727C>A (p.Arg243Ser)

Gene: SLC52A3 (solute carrier family 52 member 3; minus strand). Cytogenetic location: 20p13.
Variant type: single nucleotide variant.
Coding change: c.727C>A on transcript NM_033409.4 (MANE Select); coding-DNA position 727, C replaced by A.
Protein change: p.Arg243Ser; replaces arginine 243 with serine.
Molecular consequence: missense variant.
Genome position (GRCh38, 1-based): chr20:763,844, G>T on the plus strand (C>A on the coding strand, the complement: SLC52A3 is on the minus strand). VCF-style: chr20-763844-G-T. GRCh37 (hg19) VCF-style: chr20-744488-G-T.
Other names: c.727C>A, p.Arg243Ser (NM_001370085.1, NM_001370086.1); short protein forms R243S.
Identifiers: ClinVar variation 1017732 (VCV001017732.6), dbSNP rs1287029928, ClinGen allele CA407963228.
Genomic context (GRCh38, chr20:763,844, plus strand): 5'-GGAGGGTGACCTGGTCATTGAGGAGGTCTTCCACGGAAGCCTCCCAGCACCTGGGTTGAC[G>T]CTGGAGGACAAAGAACGCCACGAGGCAGCAGGCCATCATGATGGATAGGAGGAGGAAGAA-3'
Protein context (NP_212134.3, residues 233-253): CCLVAFFVLQ[Arg243Ser]QPRCWEASVE

ClinVar aggregate classification (germline): Uncertain significance (1 of 4 stars; one submission).

Conditions:
Brown-Vialetto-van Laere syndrome 1. Also called: BROWN-VIALETTO-VAN LAERE SYNDROME 1, MILD; BULBAR PALSY, PROGRESSIVE, WITH SENSORINEURAL DEAFNESS; PONTOBULBAR PALSY WITH DEAFNESS. Identifiers: Orphanet 572550, Orphanet 97229, MedGen C0796274, MONDO:0024537, OMIM 211530.

Allele frequency attached by ClinVar (database versions not stated): TOPMed below 0.00001; gnomAD 0.00001.
gnomAD v4.1: 6 of 1,614,010 alleles (0.00037%); highest among the groups gnomAD compares: Non-Finnish European, 0.00051%; no homozygotes.

Submission:

Labcorp Genetics (formerly Invitae), Labcorp
Classification: Uncertain significance for Brown-Vialetto-van Laere syndrome 1. Last evaluated: 2022-02-15. Review status: criteria provided, single submitter. Criteria: Invitae Variant Classification Sherloc (09022015). Collection method: clinical testing. Allele origin: germline.
Comment: This sequence change replaces arginine, which is basic and polar, with serine, which is neutral and polar, at codon 243 of the SLC52A3 protein (p.Arg243Ser). This variant is not present in population databases (gnomAD no frequency). This variant has not been reported in the literature in individuals affected with SLC52A3-related conditions. ClinVar contains an entry for this variant (Variation ID: 1017732). Algorithms developed to predict the effect of missense changes on protein structure and function (SIFT, PolyPhen-2, Align-GVGD) all suggest that this variant is likely to be tolerated. In summary, the available evidence is currently insufficient to determine the role of this variant in disease. Therefore, it has been classified as a Variant of Uncertain Significance.